The following is an entry in ClinVar:

ClinVar aggregate classification (germline): Uncertain significance. Review status: criteria provided, single submitter (1 of 4 stars). 2 submissions from 2 submitters: Uncertain significance (1). 1 of the submissions does not count toward it. Last evaluated 2025-03-03.

Conditions:
Early-infantile DEE. Also called: Ohtahara syndrome; Early infantile epileptic encephalopathy; Early infantile epileptic encephalopathy with suppression bursts. Identifiers: Orphanet 1934, MedGen C0393706, MONDO:0800491.

Allele frequency attached by ClinVar (database versions not stated): gnomAD exomes below 0.00001.
gnomAD v4.1: 2 of 1,614,188 alleles (0.00012%); highest among the groups gnomAD compares: South Asian, 0.0022%; no homozygotes.

Submissions (2):

Labcorp Genetics (formerly Invitae), Labcorp
Classification: Uncertain significance for Early-infantile DEE. Last evaluated: 2025-03-03. Review status: criteria provided, single submitter. Criteria: Invitae Variant Classification Sherloc (09022015). Collection method: clinical testing. Allele origin: germline.
Comment: This sequence change replaces aspartic acid, which is acidic and polar, with valine, which is neutral and non-polar, at codon 726 of the SPTAN1 protein (p.Asp726Val). This variant is not present in population databases (gnomAD no frequency). This variant has not been reported in the literature in individuals affected with SPTAN1-related conditions. ClinVar contains an entry for this variant (Variation ID: 2664680). Invitae Evidence Modeling of protein sequence and biophysical properties (such as structural, functional, and spatial information, amino acid conservation, physicochemical variation, residue mobility, and thermodynamic stability) has been performed for this missense variant. However, the output from this modeling did not meet the statistical confidence thresholds required to predict the impact of this variant on SPTAN1 protein function. In summary, the available evidence is currently insufficient to determine the role of this variant in disease. Therefore, it has been classified as a Variant of Uncertain Significance.

Genetics and Genomic Medicine Centre, NeuroGen Healthcare, NeuroGen Healthcare
Classification: Uncertain significance. Last evaluated: 2021-03-14. Review status: no assertion criteria provided. Collection method: clinical testing. Allele origin: unknown. Affected: yes. Not counted in ClinVar's aggregate classification.

NM_001130438.3(SPTAN1):c.2177A>T (p.Asp726Val)

Gene: SPTAN1 (spectrin alpha, non-erythrocytic 1; plus strand). Cytogenetic location: 9q34.11.
Variant type: single nucleotide variant.
Coding change: c.2177A>T on transcript NM_001130438.3 (MANE Select); coding-DNA position 2177, A replaced by T.
Protein change: p.Asp726Val; replaces aspartic acid 726 with valine.
Molecular consequence: missense variant.
Genome position (GRCh38, 1-based): chr9:128,583,953, A>T. VCF-style: chr9-128583953-A-T. GRCh37 (hg19) VCF-style: chr9-131346232-A-T.
Other names: c.2177A>T, p.Asp726Val (NM_001195532.2, NM_001363759.2, NM_001363765.2 and 5 more transcripts); c.2213A>T, p.Asp738Val (NM_001375312.2, NM_001375318.1); short protein forms D726V, D738V.
Identifiers: ClinVar variation 2664680 (VCV002664680.4), dbSNP rs2541186950.